The following is an entry in ClinVar:

ClinVar aggregate classification (germline): Uncertain significance (1 of 4 stars; one submission).

Conditions:
Hereditary spastic paraplegia 30. Identifiers: Orphanet 101010, MedGen C5235139, MONDO:0012476.
Neuropathy, hereditary sensory, type 2C. Also called: Hereditary sensory and autonomic neuropathy type IIC; KIF1A-Related HSAN2 (HSAN2C). Identifiers: Orphanet 970, MedGen C3280168, MONDO:0013634, OMIM 614213.
Intellectual disability, autosomal dominant 9 (NESCAVS). Also called: NESCAV SYNDROME; KIF1A-Related Neurodevelopmental Disorder. Identifiers: Orphanet 662367, MedGen C5393830, MONDO:0013656, OMIM 614255.

Allele frequency attached by ClinVar (database versions not stated): gnomAD exomes below 0.00001.
gnomAD v4.1: 1 of 1,568,308 alleles (0.000064%); highest among the groups gnomAD compares: South Asian, 0.0011%; no homozygotes.

Submission:

Labcorp Genetics (formerly Invitae), Labcorp
Classification: Uncertain significance for Hereditary spastic paraplegia 30; Neuropathy, hereditary sensory, type 2C; Intellectual disability, autosomal dominant 9. Last evaluated: 2022-12-31. Review status: criteria provided, single submitter. Criteria: Invitae Variant Classification Sherloc (09022015). Collection method: clinical testing. Allele origin: germline.
Comment: Algorithms developed to predict the effect of sequence changes on RNA splicing suggest that this variant may disrupt the consensus splice site. This sequence change falls in intron 36 of the KIF1A gene. It does not directly change the encoded amino acid sequence of the KIF1A protein. This variant is not present in population databases (gnomAD no frequency). This variant has not been reported in the literature in individuals affected with KIF1A-related conditions. In summary, the available evidence is currently insufficient to determine the role of this variant in disease. Therefore, it has been classified as a Variant of Uncertain Significance.

NM_001244008.2(KIF1A):c.4122+10C>T

Gene: KIF1A (kinesin family member 1A; minus strand). Cytogenetic location: 2q37.3.
Variant type: single nucleotide variant.
Coding change: c.4122+10C>T on transcript NM_001244008.2 (MANE Select); 10 bases into the intron after coding-DNA position 4122, C replaced by T.
Molecular consequence: intron variant.
Genome position (GRCh38, 1-based): chr2:240,726,816, G>A on the plus strand (C>T on the coding strand, the complement: KIF1A is on the minus strand). VCF-style: chr2-240726816-G-A. GRCh37 (hg19) VCF-style: chr2-241666233-G-A.
Other names: c.3819+10C>T (NM_001379653.1, NM_001379650.1, NM_001379641.1 and 2 more transcripts); c.4095+10C>T (NM_001379645.1, NM_001379633.1); c.3945+10C>T (NM_001379635.1, NM_001379646.1); c.3816+10C>T (NM_001379640.1); c.3843+10C>T (NM_001379639.1); c.3846+10C>T (NM_001379649.1, NM_001320705.2); c.3933+10C>T (NM_001379636.1); c.4098+10C>T (NM_001379632.1); and 7 more.
Identifiers: ClinVar variation 1946145 (VCV001946145.5), dbSNP rs2536808811, ClinGen allele CA2580068097.
Genomic context (GRCh38, chr2:240,726,816, plus strand): 5'-GAGCTTACAAGAACCTCAAGCTTCAGGGGCTGAGTGGTTTTGGTGGAGTGCCCTGGCATA[G>A]GTGCCTTGCCTCGATATAAGCGGAGAGTGTCATGTAGATTTTCTCTCGATAAGGGGTGAC-3'